The following is an entry in ClinVar:

NM_002880.4(RAF1):c.256C>T (p.Leu86Phe)

Gene: RAF1 (Raf-1 proto-oncogene, serine/threonine kinase; minus strand). Cytogenetic location: 3p25.2.
Variant type: single nucleotide variant.
Coding change: c.256C>T on transcript NM_002880.4 (MANE Select); coding-DNA position 256, C replaced by T.
Protein change: p.Leu86Phe; replaces leucine 86 with phenylalanine.
Molecular consequence: missense variant. On other transcripts: non-coding transcript variant (3), intron variant (4).
Genome position (GRCh38, 1-based): chr3:12,612,014, G>A on the plus strand (C>T on the coding strand, the complement: RAF1 is on the minus strand). VCF-style: chr3-12612014-G-A. GRCh37 (hg19) VCF-style: chr3-12653513-G-A.
Other names: c.256C>T, p.Leu86Phe (NM_001354689.3, NM_001354690.3, NM_001354693.3); c.78-2679C>T (NM_001354695.3, NM_001354692.3, NM_001354694.3 and 1 more transcripts); short protein forms L86F.
Identifiers: ClinVar variation 3666616 (VCV003666616.2).

ClinVar aggregate classification (germline): Uncertain significance (1 of 4 stars; one submission).

Conditions:
RASopathy. Also called: Noonan spectrum disorder; rasopathies. Identifiers: Orphanet 536391, MedGen C5555857, MONDO:0021060.

Submission:

Labcorp Genetics (formerly Invitae), Labcorp
Classification: Uncertain significance for RASopathy. Last evaluated: 2025-01-01. Review status: criteria provided, single submitter. Criteria: Invitae Variant Classification Sherloc (09022015). Collection method: clinical testing. Allele origin: germline.
Comment: This sequence change replaces leucine, which is neutral and non-polar, with phenylalanine, which is neutral and non-polar, at codon 86 of the RAF1 protein (p.Leu86Phe). This variant is not present in population databases (gnomAD no frequency). This variant has not been reported in the literature in individuals affected with RAF1-related conditions. Invitae Evidence Modeling incorporating data from in vitro experimental studies (internal data) indicates that this missense variant is not expected to disrupt RAF1 function with a negative predictive value of 95%. In summary, the available evidence is currently insufficient to determine the role of this variant in disease. Therefore, it has been classified as a Variant of Uncertain Significance.